The following is an entry in ClinVar:

NM_001170629.2(CHD8):c.3282C>G (p.Cys1094Trp)

Gene: CHD8 (chromodomain helicase DNA binding protein 8; minus strand). Cytogenetic location: 14q11.2.
Variant type: single nucleotide variant.
Coding change: c.3282C>G on transcript NM_001170629.2 (MANE Select); coding-DNA position 3282, C replaced by G.
Protein change: p.Cys1094Trp; replaces cysteine 1094 with tryptophan.
Molecular consequence: missense variant.
Genome position (GRCh38, 1-based): chr14:21,405,234, G>C on the plus strand (C>G on the coding strand, the complement: CHD8 is on the minus strand). VCF-style: chr14-21405234-G-C. GRCh37 (hg19) VCF-style: chr14-21873393-G-C.
Other names: c.2445C>G, p.Cys815Trp (NM_020920.4); short protein forms C1094W, C815W.
Identifiers: ClinVar variation 3899821 (VCV003899821.2).

ClinVar aggregate classification (germline): Uncertain significance (1 of 4 stars; one submission).

Submission:

GeneDx
Classification: Uncertain significance. Last evaluated: 2026-08-04. Review status: criteria provided, single submitter. Criteria: GeneDx Variant Classification Process June 2021. Collection method: clinical testing. Allele origin: germline.
Comment: Not observed at significant frequency in large population cohorts (gnomAD); In silico analysis supports that this missense variant has a deleterious effect on protein structure/function; Has not been previously published as pathogenic or benign to our knowledge